The following is an entry in ClinVar:

NM_000061.3(BTK):c.1176C>G (p.Tyr392Ter)

Gene: BTK (Bruton tyrosine kinase; minus strand). Cytogenetic location: Xq22.1.
Variant type: single nucleotide variant.
Coding change: c.1176C>G on transcript NM_000061.3 (MANE Select); coding-DNA position 1176, C replaced by G.
Protein change: p.Tyr392Ter; replaces tyrosine 392 with a stop codon.
Molecular consequence: nonsense. On other transcripts: intron variant (1).
Genome position (GRCh38, 1-based): chrX:101,357,510, G>C on the plus strand (C>G on the coding strand, the complement: BTK is on the minus strand). VCF-style: chrX-101357510-G-C. GRCh37 (hg19) VCF-style: chrX-100612498-G-C.
Other names: c.1278C>G, p.Tyr426Ter (NM_001287344.2); c.1038+864C>G (NM_001287345.2); short protein forms Y426*, Y392*.
Identifiers: ClinVar variation 4713732 (VCV004713732.1).

ClinVar aggregate classification (germline): Pathogenic (1 of 4 stars; one submission).

Conditions:
X-linked agammaglobulinemia with growth hormone deficiency (IGHD3). Also called: HYPOGAMMAGLOBULINEMIA AND ISOLATED GROWTH HORMONE DEFICIENCY, X-LINKED; IGHD III; AGAMMAGLOBULINEMIA AND ISOLATED GROWTH HORMONE DEFICIENCY, X-LINKED; FLEISHER SYNDROME; ISOLATED GROWTH HORMONE DEFICIENCY, TYPE III, WITH AGAMMAGLOBULINEMIA; Isolated growth hormone deficiency type 3. Identifiers: Orphanet 231692, Orphanet 631, MedGen C0472813, MONDO:0010615, OMIM 307200.

Submission:

Labcorp Genetics (formerly Invitae), Labcorp
Classification: Pathogenic for X-linked agammaglobulinemia with growth hormone deficiency. Last evaluated: 2025-08-15. Review status: criteria provided, single submitter. Criteria: Invitae Variant Classification Sherloc (09022015). Collection method: clinical testing. Allele origin: germline.
Comment: This sequence change creates a premature translational stop signal (p.Tyr392*) in the BTK gene. It is expected to result in an absent or disrupted protein product. Loss-of-function variants in BTK are known to be pathogenic (PMID: 15661032, 16862044, 19419768). This variant is not present in population databases (gnomAD no frequency). This premature translational stop signal has been observed in individual(s) with agammaglobulinemia (PMID: 11555397). Algorithms developed to predict the effect of sequence changes on RNA splicing suggest that this variant may disrupt the consensus splice site. For these reasons, this variant has been classified as Pathogenic.

Literature cited by the submitters: PubMed 15661032; PubMed 16862044; PubMed 19419768; PubMed 11555397.